The following is an entry in ClinVar:

NM_002227.4(JAK1):c.1908C>T (p.Phe636=)

Genes: JAK1 (Janus kinase 1; minus strand), LOC126805749 (BRD4-independent group 4 enhancer GRCh37_chr1:65312286-65313485; plus strand). Cytogenetic location: 1p31.3.
Variant type: single nucleotide variant.
Coding change: c.1908C>T on transcript NM_002227.4 (MANE Select); coding-DNA position 1908, C replaced by T.
Protein change: p.Phe636=; no amino-acid change (phenylalanine 636 retained).
Molecular consequence: synonymous variant.
Genome position (GRCh38, 1-based): chr1:64,846,728, G>A on the plus strand (C>T on the coding strand, the complement: JAK1 is on the minus strand). VCF-style: chr1-64846728-G-A. GRCh37 (hg19) VCF-style: chr1-65312411-G-A.
Other names: c.1908C>T, p.Phe636= (NM_001320923.2, NM_001321852.2, NM_001321853.2 and 3 more transcripts); c.1905C>T, p.Phe635= (NM_001321857.2).
Identifiers: ClinVar variation 1920551 (VCV001920551.29), dbSNP rs377607450, ClinGen allele CA23904153.
Genomic context (GRCh38, chr1:64,846,728, plus strand): 5'-GACGCCATAGAGGTACACGATGTGTTTGTGGGAGACCTGTCTCATCATGCTGGCTGCCTC[G>A]AAGAAGGCCTGTGGGCGAGCAGGACATAGGAATGTCTCAGGCCAGCCTCCAGGGGGCTGC-3'
Protein context (NP_002218.2, residues 626-646): PSHRDISLAF[Phe636=]EAASMMRQVS

ClinVar aggregate classification (germline): Likely benign. Review status: criteria provided, multiple submitters, no conflicts (2 of 4 stars). 2 submissions from 2 submitters: Likely benign (2). Last evaluated 2025-11-22.

Allele frequency attached by ClinVar (database versions not stated): gnomAD 0.00001; gnomAD exomes 0.00001; TOPMed 0.00002; ESP Exome Variant Server 0.00008.
gnomAD v4.1: 17 of 1,613,536 alleles (0.0011%); highest among the groups gnomAD compares: Middle Eastern, 0.033%; no homozygotes.

Submissions (2):

Labcorp Genetics (formerly Invitae), Labcorp
Classification: Likely benign. Last evaluated: 2025-11-22. Review status: criteria provided, single submitter. Criteria: Invitae Variant Classification Sherloc (09022015). Collection method: clinical testing. Allele origin: germline.

CeGaT Center for Human Genetics Tuebingen
Classification: Likely benign. Last evaluated: 2022-07-01. Review status: criteria provided, single submitter. Criteria: CeGaT Center For Human Genetics Tuebingen Variant Classification Criteria Version 2. Collection method: clinical testing. Allele origin: germline. Affected: yes. Observed: 1 variant allele.
Comment: JAK1: BP4, BP7